The following is an entry in ClinVar:

ClinVar aggregate classification (germline): Uncertain significance (1 of 4 stars; one submission).

Conditions:
Hereditary pancreatitis (PCTT). Also called: Hereditary chronic pancreatitis; PRSS1-Related Hereditary Pancreatitis. Identifiers: Orphanet 676, MedGen C0238339, MONDO:0008185, OMIM 167800.

Submission:

Ambry Genetics
Classification: Uncertain significance for Hereditary pancreatitis. Last evaluated: 2025-11-25. Review status: criteria provided, single submitter. Criteria: Ambry Variant Classification Scheme 2023. Collection method: clinical testing. Allele origin: germline.
Comment: The p.A184G variant (also known as c.551C>G), located in coding exon 6 of the CTRC gene, results from a C to G substitution at nucleotide position 551. The alanine at codon 184 is replaced by glycine, an amino acid with similar properties. This amino acid position is conserved. In addition, this alteration is predicted to be tolerated by in silico analysis. Since supporting evidence is limited at this time, the clinical significance of this alteration remains unclear.

NM_007272.3(CTRC):c.551C>G (p.Ala184Gly)

Gene: CTRC (chymotrypsin C; plus strand). Cytogenetic location: 1p36.21.
Variant type: single nucleotide variant.
Coding change: c.551C>G on transcript NM_007272.3 (MANE Select); coding-DNA position 551, C replaced by G.
Protein change: p.Ala184Gly; replaces alanine 184 with glycine.
Molecular consequence: missense variant.
Genome position (GRCh38, 1-based): chr1:15,444,663, C>G. VCF-style: chr1-15444663-C-G. GRCh37 (hg19) VCF-style: chr1-15771158-C-G.
Other names: short protein forms A184G.
Identifiers: ClinVar variation 1748071 (VCV001748071.3), dbSNP rs1176756823, ClinGen allele CA338567136.